The following is an entry in ClinVar:

ClinVar aggregate classification (germline): Benign/Likely benign. Review status: criteria provided, multiple submitters, no conflicts (2 of 4 stars). 5 submissions from 5 submitters: Benign (3); Likely benign (2). Last evaluated 2026-01-27.

Allele frequency attached by ClinVar (database versions not stated): gnomAD 0.00843 and 0.00918; TOPMed 0.00972; ESP Exome Variant Server 0.01024; ExAC 0.00266; 1000 Genomes Project 0.00659; 1000 Genomes Project 30x 0.00750.
gnomAD v4.1: 2,533 of 1,612,722 alleles (0.16%); highest among the groups gnomAD compares: African/African-American, 2.9%; 31 homozygotes.

Submissions (5):

Labcorp Genetics (formerly Invitae), Labcorp
Classification: Benign. Last evaluated: 2026-01-27. Review status: criteria provided, single submitter. Criteria: Invitae Variant Classification Sherloc (09022015). Collection method: clinical testing. Allele origin: germline.

Athena Diagnostics
Classification: Benign. Last evaluated: 2025-07-23. Review status: criteria provided, single submitter. Criteria: Athena Diagnostics Criteria. Collection method: clinical testing. Allele origin: unknown.
Comment: The frequency of this variant in the general population is higher than would generally be expected for pathogenic variants in this gene. Computational tools predict this amino acid change may be benign.

GeneDx
Classification: Likely benign. Last evaluated: 2021-04-17. Review status: criteria provided, single submitter. Criteria: GeneDx Variant Classification Process June 2021. Collection method: clinical testing. Allele origin: germline. Affected: yes.
Comment: This variant is associated with the following publications: (PMID: 14553964, 16432044, 9674649, 8989732, 11439319, 23475130, 9275234, 9593408)

Laboratory for Molecular Medicine, Mass General Brigham Personalized Medicine
Classification: Benign. Last evaluated: 2018-07-05. Review status: criteria provided, single submitter. Criteria: LMM Criteria. Collection method: clinical testing. Allele origin: germline. Observed: 1 variant allele.
Comment: The p.Thr594Met variant in SCNN1B is classified as benign because it has been id entified in 2.98% (705/23698) of European chromosomes by the Genome Aggregation Database (gnomAD; dbSNP rs1799979). ACMG/AMP C riteria applied: BA1, BP4.

Breakthrough Genomics
Classification: Likely benign. Review status: criteria provided, single submitter. Criteria: ACMG Guidelines, 2015. Collection method: not provided. Allele origin: germline. Inheritance: Autosomal dominant inheritance. Affected: yes.

Literature cited by the submitters: PubMed 10047907 (cited by Athena Diagnostics); PubMed 10469873 (cited by Athena Diagnostics); PubMed 11439319 (cited by Athena Diagnostics and Laboratory for Molecular Medicine, Mass General Brigham Personalized Medicine); PubMed 11447495 (cited by Athena Diagnostics); PubMed 11863256 (cited by Athena Diagnostics); PubMed 11978598 (cited by Athena Diagnostics); PubMed 12105131 (cited by Athena Diagnostics); PubMed 12180079 (cited by Athena Diagnostics); PubMed 14553964 (cited by Athena Diagnostics and Laboratory for Molecular Medicine, Mass General Brigham Personalized Medicine); PubMed 23475130 (cited by Athena Diagnostics); PubMed 26373931 (cited by Athena Diagnostics); PubMed 17586416 (cited by Athena Diagnostics); PubMed 25900089 (cited by Athena Diagnostics); PubMed 28052878 (cited by Athena Diagnostics); PubMed 29580127 (cited by Athena Diagnostics); PubMed 10523338 (cited by Athena Diagnostics); PubMed 15174897 (cited by Athena Diagnostics); PubMed 15198480 (cited by Athena Diagnostics); PubMed 15327619 (cited by Athena Diagnostics); PubMed 16432044 (cited by Athena Diagnostics and Laboratory for Molecular Medicine, Mass General Brigham Personalized Medicine); PubMed 8989732 (cited by Athena Diagnostics and Laboratory for Molecular Medicine, Mass General Brigham Personalized Medicine); PubMed 9275234 (cited by Athena Diagnostics and Laboratory for Molecular Medicine, Mass General Brigham Personalized Medicine); PubMed 9593408 (cited by Athena Diagnostics and Laboratory for Molecular Medicine, Mass General Brigham Personalized Medicine); PubMed 9674649 (cited by Athena Diagnostics and Laboratory for Molecular Medicine, Mass General Brigham Personalized Medicine).

NM_000336.3(SCNN1B):c.1781C>T (p.Thr594Met)

Gene: SCNN1B (sodium channel epithelial 1 subunit beta; plus strand). Cytogenetic location: 16p12.2.
Variant type: single nucleotide variant.
Coding change: c.1781C>T on transcript NM_000336.3 (MANE Select); coding-DNA position 1781, C replaced by T.
Protein change: p.Thr594Met; replaces threonine 594 with methionine.
Molecular consequence: missense variant.
Genome position (GRCh38, 1-based): chr16:23,380,659, C>T. VCF-style: chr16-23380659-C-T. GRCh37 (hg19) VCF-style: chr16-23391980-C-T.
Other names: short protein forms T594M.
Identifiers: ClinVar variation 666637 (VCV000666637.17), dbSNP rs1799979, ClinGen allele CA7960636.